The following is an entry in ClinVar:

ClinVar aggregate classification (germline): Uncertain significance (1 of 4 stars; one submission).

gnomAD v4.1: 29 of 1,613,602 alleles (0.0018%); highest among the groups gnomAD compares: Non-Finnish European, 0.0023%; no homozygotes.

Submission:

CeGaT Center for Human Genetics Tuebingen
Classification: Uncertain significance. Last evaluated: 2023-04-01. Review status: criteria provided, single submitter. Criteria: CeGaT Center For Human Genetics Tuebingen Variant Classification Criteria Version 2. Collection method: clinical testing. Allele origin: germline. Affected: yes. Observed: 1 variant allele.
Comment: GAD1: PM2, BP4

NM_000817.3(GAD1):c.265C>G (p.Arg89Gly)

Gene: GAD1 (glutamate decarboxylase 1; plus strand). Cytogenetic location: 2q31.1.
Variant type: single nucleotide variant.
Coding change: c.265C>G on transcript NM_000817.3 (MANE Select); coding-DNA position 265, C replaced by G.
Protein change: p.Arg89Gly; replaces arginine 89 with glycine.
Molecular consequence: missense variant.
Genome position (GRCh38, 1-based): chr2:170,829,594, C>G. VCF-style: chr2-170829594-C-G. GRCh37 (hg19) VCF-style: chr2-171686104-C-G.
Other names: c.265C>G, p.Arg89Gly (NM_013445.4); short protein forms R89G.
Identifiers: ClinVar variation 2571101 (VCV002571101.27), dbSNP rs150841255, ClinGen allele CA60606132.
Genomic context (GRCh38, chr2:170,829,594, plus strand): 5'-GAGAGGCAATCCTCCAAGAACCTGCTTTCCTGTGAAAACAGCGACCGGGATGCCCGCTTC[C>G]GGCGCACAGAGACTGACTTCTCTAATCTGTTTGCTAGAGGTAGCCCCTGCCCCACTCCCG-3'
Protein context (NP_000808.2, residues 79-99): CENSDRDARF[Arg89Gly]RTETDFSNLF